The following is an entry in ClinVar:

ClinVar aggregate classification (germline): Pathogenic/Likely pathogenic. Review status: criteria provided, multiple submitters, no conflicts (2 of 4 stars). 2 submissions from 2 submitters: Pathogenic (1); Likely pathogenic (1). Last evaluated 2026-01-19.

Conditions:
Familial thoracic aortic aneurysm and aortic dissection (TAAD). Also called: Thoracic aortic aneurysms and dissections. Identifiers: Orphanet 91387, MedGen C4707243, MONDO:0019625.
Cardiovascular phenotype. Identifiers: MedGen CN230736.

Submissions (2):

Molecular Diagnostic Laboratory for Inherited Cardiovascular Disease, Montreal Heart Institute
Classification: Likely pathogenic for Cardiovascular phenotype. Last evaluated: 2026-01-19. Review status: criteria provided, single submitter. Criteria: ACMG Guidelines, 2015. Collection method: clinical testing. Allele origin: germline. Affected: yes.
Comment: PVS1, PM2

Labcorp Genetics (formerly Invitae), Labcorp
Classification: Pathogenic for Familial thoracic aortic aneurysm and aortic dissection. Last evaluated: 2023-01-28. Review status: criteria provided, single submitter. Criteria: Invitae Variant Classification Sherloc (09022015). Collection method: clinical testing. Allele origin: germline.
Comment: This variant is not present in population databases (gnomAD no frequency). For these reasons, this variant has been classified as Pathogenic. This variant has not been reported in the literature in individuals affected with SMAD3-related conditions. This sequence change creates a premature translational stop signal (p.Val363Thrfs*3) in the SMAD3 gene. It is expected to result in an absent or disrupted protein product. Loss-of-function variants in SMAD3 are known to be pathogenic (PMID: 21778426, 24804794).

Literature cited by the submitters: PubMed 21778426 (cited by Labcorp Genetics (formerly Invitae), Labcorp); PubMed 24804794 (cited by Labcorp Genetics (formerly Invitae), Labcorp).

NM_005902.4(SMAD3):c.1087_1090del (p.Val363fs)

Gene: SMAD3 (SMAD family member 3; plus strand). Cytogenetic location: 15q22.33.
Variant type: Deletion.
Coding change: c.1087_1090del on transcript NM_005902.4 (MANE Select); coding-DNA positions 1087 to 1090, 4 bases deleted (GTCT; older notation c.1087_1090delGTCT).
Protein change: p.Val363fs; shifts the reading frame from valine 363.
Molecular consequence: frameshift variant.
Genome position (GRCh38, 1-based): chr15:67,187,442-67,187,445, GTCT deleted; deleting any 4 consecutive bases within chr15:67,187,440-67,187,445 gives the same sequence; the c. name uses the placement nearest the transcript's 3' end. VCF-style (leftmost placement, unchanged base first): chr15-67187439-GCTGT-G. GRCh37 (hg19) VCF-style: chr15-67479777-GCTGT-G.
Other names: c.955_958del, p.Val319fs (NM_001407012.1, NM_001145103.2); c.949_952del, p.Val317fs (NM_001407013.1); c.940_943del, p.Val314fs (NM_001407014.1); c.640_643del, p.Val214fs (NM_001407015.1); c.772_775del, p.Val258fs (NM_001407016.1, NM_001145102.2); c.502_505del, p.Val168fs (NM_001407017.1, NM_001145104.2); c.1198_1201del, p.Val400fs (NM_001407011.1); c.1087_1090del (NM_005902.3); short protein forms V168fs, V314fs, V214fs, V258fs, V317fs, V400fs, V363fs, V319fs.
Identifiers: ClinVar variation 2907169 (VCV002907169.4), dbSNP rs2505310629, ClinGen allele CA2739269521.